The following continues an entry in ClinVar:

NM_000142.5(FGFR3):c.749C>G (p.Pro250Arg)

Gene: FGFR3. ClinVar aggregate classification (germline): Pathogenic/Likely pathogenic. Pathogenic (46); Likely pathogenic (1).

Submissions 15 to 34 of 56:

Rady Children's Institute for Genomic Medicine, Rady Children's Hospital San Diego
Classification: Pathogenic for Muenke syndrome. Last evaluated: 2024-12-30. Review status: criteria provided, single submitter. Criteria: ACMG Guidelines, 2015. Collection method: clinical testing. Allele origin: germline. Affected: yes.
Comment: The c.749C>G (p.Pro250Arg) variant affects a highly conserved amino acid and is predicted by multiple in silico tools to have a deleterious effect on protein function. This is a known Pathogenic variant that is a well-established cause of Muenke syndrome (PMID: 9042914, 10541159, 20301588, 26740388). The c.749C>G (p.Pro250Arg) variant is located in the linker region between the second and third immunoglobulin-like domains, which is a known hotspot domain for pathogenic variations associated with Muenke syndrome (PMID: 20301588). Different amino acid changes at the same residue (p.Pro250Leu) have been previously reported in individuals with isolated craniosynostosis (PMID: 12362036). Functional characterization demonstrates that this missense change enhances ligand-binding in vitro compared to wild-type and affects endochondral ossification (PMID: 14613973, 22016144). The c.749C>G (p.Pro250Arg) variant is present in the latest version of the gnomAD population database at an allele frequency of 0.001% (18/1606994) and thus is presumed to be rare. Based on the available evidence, c.749C>G (p.Pro250Arg) is classified as Pathogenic.

Blueprint Genetics
Classification: Pathogenic for FGFR3-related disorders. Last evaluated: 2024-10-11. Review status: criteria provided, single submitter. Criteria: ACMG Guidelines, 2015. Collection method: clinical testing. Allele origin: germline. Affected: yes. Observed: 5 variant alleles.

Dubai Health Genomic Medicine Center, Dubai Health
Classification: Pathogenic for Muenke syndrome. Last evaluated: 2024-10-04. Review status: criteria provided, single submitter. Criteria: ACMG Guidelines, 2015. Collection method: research. Allele origin: germline. Affected: yes.
Comment: PS1, PS3, PM2

Fulgent Genetics
Classification: Pathogenic for Achondroplasia; Malignant tumor of urinary bladder; Colorectal cancer; Hypochondroplasia; Epidermal nevus; Thanatophoric dysplasia type 1; Thanatophoric dysplasia, type 2; Germ cell tumor of testis; Muenke syndrome; Cervical cancer; Camptodactyly-tall stature-scoliosis-hearing loss syndrome; Crouzon syndrome-acanthosis nigricans syndrome; Severe achondroplasia-developmental delay-acanthosis nigricans syndrome; Lacrimoauriculodentodigital syndrome 2. Last evaluated: 2024-06-19. Review status: criteria provided, single submitter. Criteria: ACMG Guidelines, 2015. Collection method: clinical testing. Allele origin: germline.

Revvity Omics, Revvity
Classification: Pathogenic. Last evaluated: 2024-05-28. Review status: criteria provided, single submitter. Criteria: ACMG Guidelines, 2015. Collection method: clinical testing. Allele origin: germline.

Women's Health and Genetics/Laboratory Corporation of America, LabCorp
Classification: Pathogenic for Achondroplasia. Last evaluated: 2024-04-22. Review status: criteria provided, single submitter. Criteria: LabCorp Variant Classification Summary - May 2015. Collection method: clinical testing. Allele origin: germline.
Comment: Variant summary: FGFR3 c.749C>G (p.Pro250Arg) results in a non-conservative amino acid change in the encoded protein sequence. Three of five in-silico tools predict a damaging effect of the variant on protein function. The variant allele was found at a frequency of 4.2e-06 in 238970 control chromosomes. c.749C>G has been reported in the literature in multiple individuals affected with Muenke syndrome (example, Paumard-Hernandez_2014). These data indicate that the variant is very likely to be associated with disease. At least one publication reports experimental evidence evaluating an impact on protein function. The most pronounced variant effect results in enhancement in ligand binding in vitro (Ibrahimi_2004). The following publications have been ascertained in the context of this evaluation (PMID: 14613973, 25271085). ClinVar contains an entry for this variant (Variation ID: 16340). Based on the evidence outlined above, the variant was classified as pathogenic.

Daryl Scott Lab, Baylor College of Medicine
Classification: Pathogenic for FGFR3-related disoder. Last evaluated: 2024-04-01. Review status: criteria provided, single submitter. Criteria: ACMG Guidelines, 2015. Collection method: clinical testing. Allele origin: maternal. Affected: yes. Observed: 1 heterozygote.
Comment: PS2, PS3, PS4, PM2

Greenwood Genetic Center Diagnostic Laboratories, Greenwood Genetic Center
Classification: Pathogenic for FGFR3-related disorder. Last evaluated: 2024-03-26. Review status: criteria provided, single submitter. Criteria: ACMG Guidelines, 2015. Collection method: clinical testing. Allele origin: germline. Affected: yes.
Comment: PS2_Very Strong, PS3, PM1, PM5_Supporting

Genomic Medicine Center of Excellence, King Faisal Specialist Hospital and Research Centre
Classification: Pathogenic for Achondroplasia. Last evaluated: 2024-03-17. Review status: criteria provided, single submitter. Criteria: ACMG Guidelines, 2015. Collection method: research. Allele origin: germline.

Unidad de Genómica Garrahan, Hospital de Pediatría Garrahan
Classification: Pathogenic for Early-infantile developmental and epileptic encephalopathy. Last evaluated: 2024-01-01. Review status: criteria provided, single submitter. Criteria: ACMG Guidelines, 2015. Collection method: clinical testing. Allele origin: germline. Affected: yes. Observed: 1 variant allele.
Comment: ACMG/AMP criteria applied: PS3, PS4, PM5.

Institute for Genomic Medicine (IGM) Clinical Laboratory, Nationwide Children's Hospital
Classification: Pathogenic for Muenke syndrome. Last evaluated: 2023-07-25. Review status: criteria provided, single submitter. Criteria: ACMG Guidelines, 2015. Collection method: clinical testing. Allele origin: germline.
Comment: Well-established functional studies have demonstrated this variant to have a damaging effect on protein function or splicing (ACMG/AMP: PS3; PMIDs:14613973, 22016144, 22622662). This variant has been reported at an elevated frequency in affected individuals/in multiple affected individuals in the literature (ACMG/AMP: PS4; PMIDs:9042914, 8841188, 26740388). This variant is absent from or present at an exceedingly low frequency in gnomAD, a large-scale control population database (ACMG/AMP: PM2). This variant has been reported to occur de novo in an affected individual in the literature without parental identity confirmed (ACMG/AMP: PM6; PMIDs:9042914, 26740388). This variant has been shown to segregate with disease in multiple affected family members (ACMG/AMP: PP1_Strong; PMIDs:9042914, 8841188, 26740388). This variant is predicted to alter protein function or structure, or disrupt splicing by multiple in silico tools (ACMG/AMP: PP3).

Institute of Medical Genetics and Applied Genomics, University Hospital Tübingen
Classification: Pathogenic for Muenke syndrome. Last evaluated: 2022-12-28. Review status: criteria provided, single submitter. Criteria: ACMG Guidelines, 2015. Collection method: clinical testing. Allele origin: germline. Inheritance: Autosomal dominant inheritance. Affected: yes.

MGZ Medical Genetics Center
Classification: Pathogenic for Muenke syndrome. Last evaluated: 2022-09-05. Review status: criteria provided, single submitter. Criteria: ACMG Guidelines, 2015. Collection method: clinical testing. Allele origin: germline. Affected: yes. Observed: 2 variant alleles.
Comment: ACMG criteria applied: PS2, PP1_STR, PS3_MOD, PS4_MOD, PM2_SUP, PP3

Laboratorio de Genetica e Diagnostico Molecular, Hospital Israelita Albert Einstein
Classification: Pathogenic for Muenke syndrome. Last evaluated: 2022-08-26. Review status: criteria provided, single submitter. Criteria: ACMG Guidelines, 2015. Collection method: clinical testing. Allele origin: germline. Affected: yes. Observed: 1 variant allele.
Comment: ACMG classification criteria: PS3 supporting, PS4 strong, PM2 supporting, PM6 strong, PP3 supporting

Clinical Genetics Laboratory, Skane University Hospital Lund
Classification: Pathogenic. Last evaluated: 2022-07-13. Review status: criteria provided, single submitter. Criteria: ACMG Guidelines, 2015. Collection method: clinical testing. Allele origin: germline. Affected: yes.

Johns Hopkins Genomics, Johns Hopkins University
Classification: Pathogenic for Muenke syndrome. Last evaluated: 2022-02-28. Review status: criteria provided, single submitter. Criteria: ACMG Guidelines, 2015. Collection method: clinical testing. Allele origin: germline.

Seattle Children's Hospital Molecular Genetics Laboratory, Seattle Children's Hospital
Classification: Pathogenic for Muenke syndrome. Last evaluated: 2022-02-04. Review status: criteria provided, single submitter. Criteria: ACMG Guidelines, 2015. Collection method: clinical testing. Allele origin: germline. Affected: yes.
Comment: Muenke syndrome (MIM #602849) is diagnosed based on the presence of the recurrent p.Pro250Arg variant (PMID: 8841188).

Laboratory of Medical Genetics, National & Kapodistrian University of Athens
Classification: Pathogenic for Muenke syndrome. Last evaluated: 2021-12-20. Review status: criteria provided, single submitter. Criteria: ACMG Guidelines, 2015. Collection method: clinical testing. Allele origin: germline. Affected: yes.
Comment: PS4, PM2, PP3, PP5

Kariminejad - Najmabadi Pathology & Genetics Center
Classification: Pathogenic for Abnormality of the nervous system. Last evaluated: 2021-07-10. Review status: criteria provided, single submitter. Criteria: ACMG Guidelines, 2015. Collection method: clinical testing. Allele origin: germline. Affected: yes.

Genetics and Molecular Pathology, SA Pathology
Classification: Pathogenic for Muenke syndrome. Last evaluated: 2021-02-22. Review status: criteria provided, single submitter. Criteria: ACMG Guidelines, 2015. Collection method: clinical testing. Allele origin: germline. Affected: yes.
Comment: The FGFR3 c.749C>G variant is a single nucleotide change in the FGFR3 gene that changes the amino acid proline at position 250 in the protein to arginine. This variant has been previously reported in several unrelated patients with Muenke syndrome (PMID: 9042914, 26740388, 20301628) (PS4_moderate). Functional characterization demonstrates that this missense change enhances ligand-binding in vitro compared to wild-type and affects endochondral ossification (PMID: 14613973, 22016144) (PS3). This variant has been reported in dbSNP (rs4647924) and is rare in population databases (2/270,300 in gnomAD, 0 homozygotes) (PM2). It is a non-conservative amino acid substitution and is predicted by multiple in silico tools to be deleterious to protein function (PP3).